The following is an entry in ClinVar:

NM_000268.4(NF2):c.1130C>G (p.Ser377Cys)

Gene: NF2 (NF2, moesin-ezrin-radixin like (MERLIN) tumor suppressor; plus strand). Cytogenetic location: 22q12.2.
Variant type: single nucleotide variant.
Coding change: c.1130C>G on transcript NM_000268.4 (MANE Select); coding-DNA position 1130, C replaced by G.
Protein change: p.Ser377Cys; replaces serine 377 with cysteine.
Molecular consequence: missense variant. On other transcripts: non-coding transcript variant (1), intron variant (1).
Genome position (GRCh38, 1-based): chr22:29,673,276, C>G. VCF-style: chr22-29673276-C-G. GRCh37 (hg19) VCF-style: chr22-30069265-C-G.
Other names: c.1016C>G, p.Ser339Cys (NM_001407053.1, NM_001407056.1); c.1007C>G, p.Ser336Cys (NM_001407054.1, NM_001407058.1, NM_181829.3); c.1004C>G, p.Ser335Cys (NM_001407055.1, NM_181828.3); c.995C>G, p.Ser332Cys (NM_001407057.1, NM_001407059.1); c.1130C>G, p.Ser377Cys (NM_001407060.1, NM_001407066.1, NM_016418.5 and 2 more transcripts); c.872C>G, p.Ser291Cys (NM_001407062.1); c.881C>G, p.Ser294Cys (NM_001407063.1, NM_001407064.1, NM_181830.3 and 1 more transcripts); c.596C>G, p.Ser199Cys (NM_001407065.1); and 2 more; short protein forms S199C, S300C, S335C, S336C, S377C, S291C, S294C, S332C.
Identifiers: ClinVar variation 2175887 (VCV002175887.4), dbSNP rs2518679013, ClinGen allele CA411147972.

ClinVar aggregate classification (germline): Uncertain significance (1 of 4 stars; one submission).

Conditions:
Neurofibromatosis, type 2 (SWNV). Also called: BILATERAL ACOUSTIC NEUROFIBROMATOSIS; SCHWANNOMATOSIS, VESTIBULAR; NF2-Related Schwannomatosis. Identifiers: Orphanet 637, MedGen C0027832, MONDO:0007039, OMIM 101000. Disease mechanism: loss of function.

Submission:

Labcorp Genetics (formerly Invitae), Labcorp
Classification: Uncertain significance for Neurofibromatosis, type 2. Last evaluated: 2022-08-23. Review status: criteria provided, single submitter. Criteria: Invitae Variant Classification Sherloc (09022015). Collection method: clinical testing. Allele origin: germline.
Comment: This sequence change replaces serine, which is neutral and polar, with cysteine, which is neutral and slightly polar, at codon 377 of the NF2 protein (p.Ser377Cys). This variant is not present in population databases (gnomAD no frequency). This variant has not been reported in the literature in individuals affected with NF2-related conditions. Algorithms developed to predict the effect of missense changes on protein structure and function are either unavailable or do not agree on the potential impact of this missense change (SIFT: "Deleterious"; PolyPhen-2: "Probably Damaging"; Align-GVGD: "Class C15"). Algorithms developed to predict the effect of sequence changes on RNA splicing suggest that this variant may create or strengthen a splice site. In summary, the available evidence is currently insufficient to determine the role of this variant in disease. Therefore, it has been classified as a Variant of Uncertain Significance.